The following is an entry in ClinVar:

NM_001128840.3(CACNA1D):c.1750G>T (p.Val584Phe)

Gene: CACNA1D (calcium voltage-gated channel subunit alpha1 D; plus strand). Cytogenetic location: 3p21.1.
Variant type: single nucleotide variant.
Coding change: c.1750G>T on transcript NM_001128840.3 (MANE Select); coding-DNA position 1750, G replaced by T.
Protein change: p.Val584Phe; replaces valine 584 with phenylalanine.
Molecular consequence: missense variant.
Genome position (GRCh38, 1-based): chr3:53,723,517, G>T. VCF-style: chr3-53723517-G-T. GRCh37 (hg19) VCF-style: chr3-53757544-G-T.
Other names: c.1810G>T, p.Val604Phe (NM_000720.4); c.1750G>T, p.Val584Phe (NM_001128839.3); short protein forms V584F, V604F.
Identifiers: ClinVar variation 1354335 (VCV001354335.4), dbSNP rs773365038, ClinGen allele CA353236864.
Genomic context (GRCh38, chr3:53,723,517, plus strand): 5'-GCTCTGTTCACCTGCGAGATGCTGGTAAAAATGTACAGCTTGGGCCTCCAAGCATATTTC[G>T]TCTCTCTTTTCAACCGGTTTGATTGCTTCGTGGTGTGTGGTGGAATCACTGAGACGATCT-3'
Protein context (NP_001122312.1, residues 574-594): MYSLGLQAYF[Val584Phe]SLFNRFDCFV

ClinVar aggregate classification (germline): Uncertain significance (1 of 4 stars; one submission).

Allele frequency attached by ClinVar (database versions not stated): TOPMed 0.00002.
gnomAD v4.1: 4 of 1,613,916 alleles (0.00025%); highest among the groups gnomAD compares: Non-Finnish European, 0.00034%; no homozygotes.

Submission:

Labcorp Genetics (formerly Invitae), Labcorp
Classification: Uncertain significance. Last evaluated: 2023-03-18. Review status: criteria provided, single submitter. Criteria: Invitae Variant Classification Sherloc (09022015). Collection method: clinical testing. Allele origin: germline.
Comment: In summary, the available evidence is currently insufficient to determine the role of this variant in disease. Therefore, it has been classified as a Variant of Uncertain Significance. Advanced modeling of protein sequence and biophysical properties (such as structural, functional, and spatial information, amino acid conservation, physicochemical variation, residue mobility, and thermodynamic stability) performed at Invitae indicates that this missense variant is not expected to disrupt CACNA1D protein function. ClinVar contains an entry for this variant (Variation ID: 1354335). This variant has not been reported in the literature in individuals affected with CACNA1D-related conditions. This variant is present in population databases (no rsID available, gnomAD 0.0009%). This sequence change replaces valine, which is neutral and non-polar, with phenylalanine, which is neutral and non-polar, at codon 604 of the CACNA1D protein (p.Val604Phe).